The following is an entry in ClinVar:

ClinVar aggregate classification (germline): Conflicting classifications of pathogenicity. Review status: criteria provided, conflicting classifications (1 of 4 stars). 5 submissions from 5 submitters: Uncertain significance (3); Likely benign (2). Last evaluated 2024-11-05.

Conditions:
Inborn genetic diseases. Identifiers: MedGen C0950123, MeSH D030342.
Seckel syndrome 1 (SCKL1). Also called: MICROCEPHALIC PRIMORDIAL DWARFISM I. Identifiers: Orphanet 808, MedGen C4551474, MONDO:0008869, OMIM 210600.

Allele frequency attached by ClinVar (database versions not stated): ExAC 0.00002; gnomAD 0.00002 and 0.00003; gnomAD exomes 0.00003; TOPMed 0.00006.
gnomAD v4.1: 35 of 1,613,122 alleles (0.0022%); highest among the groups gnomAD compares: Admixed American, 0.005%; no homozygotes.

Submissions (5):

Labcorp Genetics (formerly Invitae), Labcorp
Classification: Uncertain significance. Last evaluated: 2024-11-05. Review status: criteria provided, single submitter. Criteria: Invitae Variant Classification Sherloc (09022015). Collection method: clinical testing. Allele origin: germline.
Comment: This sequence change replaces alanine, which is neutral and non-polar, with threonine, which is neutral and polar, at codon 615 of the ATR protein (p.Ala615Thr). This variant is present in population databases (rs759350161, gnomAD 0.009%). This variant has not been reported in the literature in individuals affected with ATR-related conditions. ClinVar contains an entry for this variant (Variation ID: 963610). An algorithm developed to predict the effect of missense changes on protein structure and function outputs the following: PolyPhen-2: "Benign". The threonine amino acid residue is found in multiple mammalian species, which suggests that this missense change does not adversely affect protein function. Algorithms developed to predict the effect of sequence changes on RNA splicing suggest that this variant may disrupt the consensus splice site. In summary, the available evidence is currently insufficient to determine the role of this variant in disease. Therefore, it has been classified as a Variant of Uncertain Significance.

Blueprint Genetics
Classification: Likely benign. Last evaluated: 2024-10-30. Review status: criteria provided, single submitter. Criteria: ACMG Guidelines, 2015. Collection method: clinical testing. Allele origin: germline.

Department of Pathology and Laboratory Medicine, Sinai Health System
Classification: Uncertain significance for Seckel syndrome 1. Last evaluated: 2022-11-19. Review status: criteria provided, single submitter. Criteria: ACMG Guidelines, 2015. Collection method: research. Allele origin: germline.

GeneDx
Classification: Uncertain significance. Last evaluated: 2022-09-08. Review status: criteria provided, single submitter. Criteria: GeneDx Variant Classification Process June 2021. Collection method: clinical testing. Allele origin: germline. Affected: yes.
Comment: Not observed at significant frequency in large population cohorts (gnomAD); In silico analysis supports that this missense variant does not alter protein structure/function; Has not been previously published as pathogenic or benign to our knowledge

Ambry Genetics
Classification: Likely benign for Inborn genetic diseases. Last evaluated: 2021-10-29. Review status: criteria provided, single submitter. Criteria: Ambry Variant Classification Scheme 2023. Collection method: clinical testing. Allele origin: germline.

NM_001184.4(ATR):c.1843G>A (p.Ala615Thr)

Gene: ATR (ATR checkpoint kinase; minus strand). Cytogenetic location: 3q23.
Variant type: single nucleotide variant.
Coding change: c.1843G>A on transcript NM_001184.4 (MANE Select); coding-DNA position 1843, G replaced by A.
Protein change: p.Ala615Thr; replaces alanine 615 with threonine.
Molecular consequence: missense variant.
Genome position (GRCh38, 1-based): chr3:142,558,666, C>T on the plus strand (G>A on the coding strand, the complement: ATR is on the minus strand). VCF-style: chr3-142558666-C-T. GRCh37 (hg19) VCF-style: chr3-142277508-C-T.
Other names: c.1651G>A, p.Ala551Thr (NM_001354579.2); short protein forms A551T, A615T.
Identifiers: ClinVar variation 963610 (VCV000963610.13), dbSNP rs759350161, ClinGen allele CA2650505.